The following is an entry in ClinVar:

ClinVar aggregate classification (germline): Uncertain significance (1 of 4 stars; one submission).

Conditions:
Alstrom syndrome (ALMS). Identifiers: Orphanet 64, MedGen C0268425, MONDO:0008763, OMIM 203800.

Submission:

Labcorp Genetics (formerly Invitae), Labcorp
Classification: Uncertain significance for Alstrom syndrome. Last evaluated: 2021-06-14. Review status: criteria provided, single submitter. Criteria: Invitae Variant Classification Sherloc (09022015). Collection method: clinical testing. Allele origin: germline.
Comment: This sequence change replaces tyrosine with phenylalanine at codon 4143 of the ALMS1 protein (p.Tyr4143Phe). The tyrosine residue is highly conserved and there is a small physicochemical difference between tyrosine and phenylalanine. This variant is not present in population databases (ExAC no frequency). This variant has not been reported in the literature in individuals with ALMS1-related conditions. Experimental studies and prediction algorithms are not available or were not evaluated, and the functional significance of this variant is currently unknown. In summary, the available evidence is currently insufficient to determine the role of this variant in disease. Therefore, it has been classified as a Variant of Uncertain Significance.

NM_001378454.1(ALMS1):c.12425A>T (p.Tyr4142Phe)

Gene: ALMS1 (ALMS1 centrosome and basal body associated protein; plus strand). Cytogenetic location: 2p13.1.
Variant type: single nucleotide variant.
Coding change: c.12425A>T on transcript NM_001378454.1 (MANE Select); coding-DNA position 12425, A replaced by T.
Protein change: p.Tyr4142Phe; replaces tyrosine 4142 with phenylalanine.
Molecular consequence: missense variant.
Genome position (GRCh38, 1-based): chr2:73,608,537, A>T. VCF-style: chr2-73608537-A-T. GRCh37 (hg19) VCF-style: chr2-73835664-A-T.
Other names: c.12428A>T, p.Tyr4143Phe (NM_015120.4); short protein forms Y4143F, Y4142F.
Identifiers: ClinVar variation 1365624 (VCV001365624.3), dbSNP rs775032572, ClinGen allele CA347275119.